The following is an entry in ClinVar:

ClinVar aggregate classification (germline): Conflicting classifications of pathogenicity. Review status: criteria provided, conflicting classifications (1 of 4 stars). 5 submissions from 5 submitters: Likely pathogenic (2); Uncertain significance (3). Last evaluated 2026-07-27.

Conditions:
Familial hypocalciuric hypercalcemia (FHH). Also called: Familial benign hypercalcemia. Identifiers: Orphanet 405, MedGen C1809471, MONDO:0018458.
Autosomal dominant hypocalcemia 1 (HYPOC1). Also called: HYPOCALCEMIA, FAMILIAL. Identifiers: MedGen C3715128, MONDO:0011013, OMIM 601198.
CASR-related disorder. Also called: CASR-related condition.

Submissions (5):

PreventionGenetics, part of Exact Sciences
Classification: Uncertain significance for CASR-related condition. Last evaluated: 2026-07-27. Review status: criteria provided, single submitter. Criteria: ACMG Guidelines, 2015. Collection method: clinical testing. Allele origin: germline.
Comment: The CASR c.1466A>G variant is predicted to result in the amino acid substitution p.Tyr489Cys. To our knowledge, this variant has not been reported in the literature or in a large population database (gnomAD), indicating this variant is rare. An alternate missense variant at the same amino acid position (p.Tyr489His) has been reported in a family with hypercalcemia (García-Castaño et al. 2024. PubMed ID: 38586466). Although we suspect that the p.Tyr489Cys variant may be pathogenic, at this time, the clinical significance of this variant is uncertain due to the absence of conclusive functional and genetic evidence.

Women's Health and Genetics/Laboratory Corporation of America, LabCorp
Classification: Likely pathogenic for Familial hypocalciuric hypercalcemia. Last evaluated: 2025-07-23. Review status: criteria provided, single submitter. Criteria: LabCorp Variant Classification Summary - May 2015. Collection method: clinical testing. Allele origin: germline.
Comment: Variant summary: CASR c.1466A>G (p.Tyr489Cys) results in a non-conservative amino acid change in the encoded protein sequence. Algorithms developed to predict the effect of missense changes on protein structure and function all suggest that this variant is likely to be disruptive. The variant was absent in 251466 control chromosomes. c.1466A>G has been observed in individual(s) affected with clinical features of hypercalcemia and/or hyperparathyroidism (Internal data). These data indicate that the variant is likely to be associated with disease. To our knowledge, no experimental evidence demonstrating an impact on protein function has been reported. ClinVar contains an entry for this variant (Variation ID: 446985). Based on the evidence outlined above, the variant was classified as likely pathogenic.

Center for Genomic Medicine, Rigshospitalet, Copenhagen University Hospital
Classification: Uncertain significance. Last evaluated: 2025-03-04. Review status: criteria provided, single submitter. Criteria: ACMG Guidelines, 2015. Collection method: clinical testing. Allele origin: germline.

Labcorp Genetics (formerly Invitae), Labcorp
Classification: Likely pathogenic for Familial hypocalciuric hypercalcemia; Autosomal dominant hypocalcemia 1. Last evaluated: 2024-04-01. Review status: criteria provided, single submitter. Criteria: Invitae Variant Classification Sherloc (09022015). Collection method: clinical testing. Allele origin: germline.
Comment: This sequence change replaces tyrosine, which is neutral and polar, with cysteine, which is neutral and slightly polar, at codon 489 of the CASR protein (p.Tyr489Cys). This variant is not present in population databases (gnomAD no frequency). This missense change has been observed in individual(s) with clinical features of hypercalcemia and/or hyperparathyroidism (Invitae). Invitae’s autosomal dominant CASR-related conditions clinical variant model, which takes into account the clinical and family history, age, sex, and reported ancestry of multiple individuals with this CASR variant, predicts that it is pathogenic with a positive predictive value of at least 99%. This is a validated machine learning model developed at Invitae that incorporates the clinical features of 606,512 individuals referred for testing at Invitae. ClinVar contains an entry for this variant (Variation ID: 446985). An algorithm developed to predict the effect of missense changes on protein structure and function (PolyPhen-2) suggests that this variant is likely to be disruptive. In summary, the currently available evidence indicates that the variant is pathogenic, but additional data are needed to prove that conclusively. Therefore, this variant has been classified as Likely Pathogenic.

Athena Diagnostics
Classification: Uncertain significance. Last evaluated: 2018-12-05. Review status: criteria provided, single submitter. Criteria: Athena Diagnostics Criteria. Collection method: clinical testing. Allele origin: germline.

NM_000388.4(CASR):c.1466A>G (p.Tyr489Cys)

Gene: CASR (calcium sensing receptor; plus strand). Cytogenetic location: 3q21.1.
Variant type: single nucleotide variant.
Coding change: c.1466A>G on transcript NM_000388.4 (MANE Select); coding-DNA position 1466, A replaced by G.
Protein change: p.Tyr489Cys; replaces tyrosine 489 with cysteine.
Molecular consequence: missense variant.
Genome position (GRCh38, 1-based): chr3:122,275,900, A>G. VCF-style: chr3-122275900-A-G. GRCh37 (hg19) VCF-style: chr3-121994747-A-G.
Other names: c.1466A>G (NM_001178065.1); c.1466A>G, p.Tyr489Cys (NM_001178065.2); short protein forms Y489C.
Identifiers: ClinVar variation 446985 (VCV000446985.20), dbSNP rs1553768108, ClinGen allele CA354155147.
Genomic context (GRCh38, chr3:122,275,900, plus strand): 5'-TTACAAACAATATGGGGGAGCAGGTGACCTTTGATGAGTGTGGTGACCTGGTGGGGAACT[A>G]TTCCATCATCAACTGGCACCTCTCCCCAGAGGATGGCTCCATCGTGTTTAAGGAAGTCGG-3'
Protein context (NP_000379.3, residues 479-499): FDECGDLVGN[Tyr489Cys]SIINWHLSPE